The following is an entry in ClinVar:

NM_002299.4(LCT):c.3597G>A (p.Ala1199=)

Gene: LCT (lactase; minus strand). Cytogenetic location: 2q21.3.
Variant type: single nucleotide variant.
Coding change: c.3597G>A on transcript NM_002299.4 (MANE Select); coding-DNA position 3597, G replaced by A.
Protein change: p.Ala1199=; no amino-acid change (alanine 1199 retained).
Molecular consequence: synonymous variant.
Genome position (GRCh38, 1-based): chr2:135,808,750, C>T on the plus strand (G>A on the coding strand, the complement: LCT is on the minus strand). VCF-style: chr2-135808750-C-T. GRCh37 (hg19) VCF-style: chr2-136566320-C-T.
Identifiers: ClinVar variation 720552 (VCV000720552.14), dbSNP rs79326512, ClinGen allele CA1888037.

ClinVar aggregate classification (germline): Benign/Likely benign. Review status: criteria provided, multiple submitters, no conflicts (2 of 4 stars). 4 submissions from 4 submitters: Benign (1); Likely benign (3). Last evaluated 2026-01-02.

Conditions:
Congenital lactase deficiency. Also called: ALACTASIA, CONGENITAL; DISACCHARIDE INTOLERANCE II. Identifiers: Orphanet 53690, MedGen C0268179, MONDO:0009115, OMIM 223000.

Allele frequency attached by ClinVar (database versions not stated): gnomAD exomes 0.00041; ExAC 0.00054; gnomAD 0.00141 and 0.00148; TOPMed 0.00171; ESP Exome Variant Server 0.00177; 1000 Genomes Project 30x 0.00234; 1000 Genomes Project 0.00260.
gnomAD v4.1: 487 of 1,614,166 alleles (0.03%); highest among the groups gnomAD compares: African/African-American, 0.51%; no homozygotes.

Submissions (4):

Labcorp Genetics (formerly Invitae), Labcorp
Classification: Benign. Last evaluated: 2026-01-02. Review status: criteria provided, single submitter. Criteria: Invitae Variant Classification Sherloc (09022015). Collection method: clinical testing. Allele origin: germline.

Blueprint Genetics
Classification: Likely benign. Last evaluated: 2023-12-29. Review status: criteria provided, single submitter. Criteria: ACMG Guidelines, 2015. Collection method: clinical testing. Allele origin: germline.

Illumina Laboratory Services, Illumina
Classification: Likely benign for Congenital lactase deficiency. Last evaluated: 2018-01-13. Review status: criteria provided, single submitter. Criteria: ICSL Variant Classification Criteria 13 December 2019. Collection method: clinical testing. Allele origin: germline.
Comment: This variant was observed in the ICSL laboratory as part of a predisposition screen in an ostensibly healthy population. It had not been previously curated by ICSL or reported in the Human Gene Mutation Database (HGMD: prior to June 1st, 2018), and was therefore a candidate for classification through an automated scoring system. Utilizing variant allele frequency, disease prevalence and penetrance estimates, and inheritance mode, an automated score was calculated to assess if this variant is too frequent to cause the disease. Based on the score and internal cut-off values, a variant classified as likely benign is not then subjected to further curation. The score for this variant resulted in a classification of likely benign for this disease.

Breakthrough Genomics
Classification: Likely benign. Review status: criteria provided, single submitter. Criteria: ACMG Guidelines, 2015. Collection method: not provided. Allele origin: germline. Inheritance: Autosomal recessive inheritance. Affected: yes.